The following is an entry in ClinVar:

ClinVar aggregate classification (germline): Uncertain significance. Review status: criteria provided, multiple submitters, no conflicts (2 of 4 stars). 2 submissions from 2 submitters: Uncertain significance (2). Last evaluated 2023-12-13.

Submissions (2):

GeneDx
Classification: Uncertain significance. Last evaluated: 2023-12-13. Review status: criteria provided, single submitter. Criteria: GeneDx Variant Classification Process June 2021. Collection method: clinical testing. Allele origin: germline. Affected: yes.
Comment: Not observed at significant frequency in large population cohorts (gnomAD); In silico analysis supports that this missense variant has a deleterious effect on protein structure/function; Has not been previously published as pathogenic or benign to our knowledge

Labcorp Genetics (formerly Invitae), Labcorp
Classification: Uncertain significance. Last evaluated: 2023-10-04. Review status: criteria provided, single submitter. Criteria: Invitae Variant Classification Sherloc (09022015). Collection method: clinical testing. Allele origin: germline.
Comment: This sequence change replaces serine, which is neutral and polar, with phenylalanine, which is neutral and non-polar, at codon 590 of the ATP1A1 protein (p.Ser590Phe). This variant is not present in population databases (gnomAD no frequency). This variant has not been reported in the literature in individuals affected with ATP1A1-related conditions. This missense change has been observed in at least one individual who was not affected with ATP1A1-related conditions (Invitae). Advanced modeling of protein sequence and biophysical properties (such as structural, functional, and spatial information, amino acid conservation, physicochemical variation, residue mobility, and thermodynamic stability) performed at Invitae indicates that this missense variant is expected to disrupt ATP1A1 protein function. In summary, the available evidence is currently insufficient to determine the role of this variant in disease. Therefore, it has been classified as a Variant of Uncertain Significance.

NM_000701.8(ATP1A1):c.1769C>T (p.Ser590Phe)

Genes: ATP1A1 (ATPase Na+/K+ transporting subunit alpha 1; plus strand), ATP1A1-AS1 (ATP1A1 antisense RNA 1; minus strand). Cytogenetic location: 1p13.1.
Variant type: single nucleotide variant.
Coding change: c.1769C>T on transcript NM_000701.8 (MANE Select); coding-DNA position 1769, C replaced by T.
Protein change: p.Ser590Phe; replaces serine 590 with phenylalanine.
Molecular consequence: missense variant.
Genome position (GRCh38, 1-based): chr1:116,395,218, C>T. VCF-style: chr1-116395218-C-T. GRCh37 (hg19) VCF-style: chr1-116937840-C-T.
Other names: c.1769C>T, p.Ser590Phe (NM_001160233.2); c.1676C>T, p.Ser559Phe (NM_001160234.2); short protein forms S559F, S590F.
Identifiers: ClinVar variation 2858630 (VCV002858630.4), dbSNP rs768973685, ClinGen allele CA341771573.
Genomic context (GRCh38, chr1:116,395,218, plus strand): 5'-AGTTTGACACTGACGATGTGAATTTCCCTATCGATAATCTGTGCTTTGTTGGGCTCATCT[C>T]CATGATTGACCCTCCACGGGCGGCCGTTCCTGATGCCGTGGGCAAATGTCGAAGTGCTGG-3'
Protein context (NP_000692.2, residues 580-600): IDNLCFVGLI[Ser590Phe]MIDPPRAAVP